The following is an entry in ClinVar:

ClinVar aggregate classification (germline): Uncertain significance (1 of 4 stars; one submission).

gnomAD v4.1: 1 of 1,613,584 alleles (0.000062%); highest among the groups gnomAD compares: Non-Finnish European, 0.000085%; no homozygotes.

Submission:

Labcorp Genetics (formerly Invitae), Labcorp
Classification: Uncertain significance. Last evaluated: 2022-03-12. Review status: criteria provided, single submitter. Criteria: Invitae Variant Classification Sherloc (09022015). Collection method: clinical testing. Allele origin: germline.
Comment: This sequence change replaces tyrosine, which is neutral and polar, with cysteine, which is neutral and slightly polar, at codon 5770 of the ADGRV1 protein (p.Tyr5770Cys). This variant is not present in population databases (gnomAD no frequency). This variant has not been reported in the literature in individuals affected with ADGRV1-related conditions. Algorithms developed to predict the effect of missense changes on protein structure and function are either unavailable or do not agree on the potential impact of this missense change (SIFT: "Tolerated"; PolyPhen-2: "Probably Damaging"; Align-GVGD: "Class C0"). In summary, the available evidence is currently insufficient to determine the role of this variant in disease. Therefore, it has been classified as a Variant of Uncertain Significance.

NM_032119.4(ADGRV1):c.17309A>G (p.Tyr5770Cys)

Gene: ADGRV1 (adhesion G protein-coupled receptor V1; plus strand). Cytogenetic location: 5q14.3.
Variant type: single nucleotide variant.
Coding change: c.17309A>G on transcript NM_032119.4 (MANE Select); coding-DNA position 17309, A replaced by G.
Protein change: p.Tyr5770Cys; replaces tyrosine 5770 with cysteine.
Molecular consequence: missense variant. On other transcripts: non-coding transcript variant (1).
Genome position (GRCh38, 1-based): chr5:90,853,388, A>G. VCF-style: chr5-90853388-A-G. GRCh37 (hg19) VCF-style: chr5-90149205-A-G.
Other names: short protein forms Y5770C.
Identifiers: ClinVar variation 2109992 (VCV002109992.4), dbSNP rs2532542123, ClinGen allele CA360430075.